The following is an entry in ClinVar:

ClinVar aggregate classification (germline): Uncertain significance. Review status: criteria provided, multiple submitters, no conflicts (2 of 4 stars). 2 submissions from 2 submitters: Uncertain significance (2). Last evaluated 2025-02-19.

Conditions:
Inborn genetic diseases. Identifiers: MedGen C0950123, MeSH D030342.
Saldino-Mainzer syndrome (SRTD9). Also called: CONORENAL SYNDROME; Renal dysplasia, retinal pigmentary dystrophy, cerebellar ataxia and skeletal dysplasia; short-rib thoracic dysplasia 9 with or without polydactyly; SHORT-RIB THORACIC DYSPLASIA 9 WITHOUT POLYDACTYLY. Identifiers: Orphanet 140969, MedGen C1849437, MONDO:0009964, OMIM 266920.

Allele frequency attached by ClinVar (database versions not stated): gnomAD 0.00001; gnomAD exomes 0.00001; ExAC 0.00002; TOPMed 0.00002.
gnomAD v4.1: 5 of 1,604,174 alleles (0.00031%); highest among the groups gnomAD compares: East Asian, 0.0045%; no homozygotes.

Submissions (2):

Ambry Genetics
Classification: Uncertain significance for Inborn genetic diseases. Last evaluated: 2025-02-19. Review status: criteria provided, single submitter. Criteria: Ambry Variant Classification Scheme 2023. Collection method: clinical testing. Allele origin: germline.

Labcorp Genetics (formerly Invitae), Labcorp
Classification: Uncertain significance for Saldino-Mainzer syndrome. Last evaluated: 2022-07-25. Review status: criteria provided, single submitter. Criteria: Invitae Variant Classification Sherloc (09022015). Collection method: clinical testing. Allele origin: germline.
Comment: In summary, the available evidence is currently insufficient to determine the role of this variant in disease. Therefore, it has been classified as a Variant of Uncertain Significance. Algorithms developed to predict the effect of missense changes on protein structure and function output the following: SIFT: "Tolerated"; PolyPhen-2: "Benign"; Align-GVGD: "Class C0". The isoleucine amino acid residue is found in multiple mammalian species, which suggests that this missense change does not adversely affect protein function. ClinVar contains an entry for this variant (Variation ID: 1004189). This variant has not been reported in the literature in individuals affected with IFT140-related conditions. This variant is present in population databases (rs779289178, gnomAD 0.006%). This sequence change replaces valine, which is neutral and non-polar, with isoleucine, which is neutral and non-polar, at codon 1026 of the IFT140 protein (p.Val1026Ile).

NM_014714.4(IFT140):c.3076G>A (p.Val1026Ile)

Genes: IFT140 (intraflagellar transport 140; minus strand), LOC126862260 (CDK7 strongly-dependent group 2 enhancer GRCh37_chr16:1574508-1575707; plus strand). Cytogenetic location: 16p13.3.
Variant type: single nucleotide variant.
Coding change: c.3076G>A on transcript NM_014714.4 (MANE Select); coding-DNA position 3076, G replaced by A.
Protein change: p.Val1026Ile; replaces valine 1026 with isoleucine.
Molecular consequence: missense variant.
Genome position (GRCh38, 1-based): chr16:1,524,617, C>T on the plus strand (G>A on the coding strand, the complement: IFT140 is on the minus strand). VCF-style: chr16-1524617-C-T. GRCh37 (hg19) VCF-style: chr16-1574618-C-T.
Other names: c.3076G>A (NM_014714.3); short protein forms V1026I.
Identifiers: ClinVar variation 1004189 (VCV001004189.10), dbSNP rs779289178, ClinGen allele CA7813329.
Genomic context (GRCh38, chr16:1,524,617, plus strand): 5'-ACAGGCGGATGGCATTCTTGAAGGCCTGTGCCCGGGTGTAGAAGTGCACCGCCTGCCCGA[C>T]CTCCTCCTGGCTCTCGTACTGGCGGGCGAGGTGGTAGGAGGCCGCCAGGTTTCCTGTCTC-3'
Protein context (NP_055529.2, residues 1016-1036): LARQYESQEE[Val1026Ile]GQAVHFYTRA